The following is an entry in ClinVar:

NM_020975.6(RET):c.2468G>A (p.Gly823Glu)

Gene: RET (ret proto-oncogene; plus strand). Cytogenetic location: 10q11.21.
Variant type: single nucleotide variant.
Coding change: c.2468G>A on transcript NM_020975.6 (MANE Select); coding-DNA position 2468, G replaced by A.
Protein change: p.Gly823Glu; replaces glycine 823 with glutamic acid.
Molecular consequence: missense variant.
Genome position (GRCh38, 1-based): chr10:43,119,606, G>A. VCF-style: chr10-43119606-G-A. GRCh37 (hg19) VCF-style: chr10-43615054-G-A.
Other names: c.2468G>A, p.Gly823Glu (NM_000323.2, NM_001406743.1, NM_001406744.1 and 4 more transcripts); c.1706G>A, p.Gly569Glu (NM_001355216.2); c.2339G>A, p.Gly780Glu (NM_001406761.1, NM_001406762.1, NM_001406764.1); c.2333G>A, p.Gly778Glu (NM_001406763.1, NM_001406765.1); c.2180G>A, p.Gly727Glu (NM_001406766.1, NM_001406767.1, NM_001406770.1); c.2204G>A, p.Gly735Glu (NM_001406768.1); c.2072G>A, p.Gly691Glu (NM_001406769.1, NM_001406772.1); c.2030G>A, p.Gly677Glu (NM_001406771.1, NM_001406773.1); and 10 more; short protein forms G569E, G823E, G388E, G677E, G778E, G340E, G484E, G524E.
Identifiers: ClinVar variation 1405906 (VCV001405906.11), dbSNP rs142779213, ClinGen allele CA206266602.

ClinVar aggregate classification (germline): Uncertain significance. Review status: criteria provided, multiple submitters, no conflicts (2 of 4 stars). 3 submissions from 3 submitters: Uncertain significance (3). Last evaluated 2025-05-05.

Conditions:
Multiple endocrine neoplasia, type 2 (MEN2). Identifiers: Orphanet 653, MedGen C4048306, MONDO:0019003. Disease mechanism: gain of function.
Hereditary cancer-predisposing syndrome. Also called: Hereditary neoplastic syndrome; Hereditary Cancer Syndrome; Neoplastic Syndromes, Hereditary; Tumor predisposition. Identifiers: Orphanet 140162, MedGen C0027672, MeSH D009386, MONDO:0015356.

Submissions (3):

Ambry Genetics
Classification: Uncertain significance for Hereditary cancer-predisposing syndrome. Last evaluated: 2025-05-05. Review status: criteria provided, single submitter. Criteria: Ambry Variant Classification Scheme 2023. Collection method: clinical testing. Allele origin: germline.
Comment: The p.G823E variant (also known as c.2468G>A), located in coding exon 14 of the RET gene, results from a G to A substitution at nucleotide position 2468. The glycine at codon 823 is replaced by glutamic acid, an amino acid with similar properties. This amino acid position is highly conserved in available vertebrate species. In addition, the in silico prediction for this alteration is inconclusive. Based on the available evidence, the clinical significance of this variant remains unclear.

Labcorp Genetics (formerly Invitae), Labcorp
Classification: Uncertain significance for Multiple endocrine neoplasia, type 2. Last evaluated: 2025-03-05. Review status: criteria provided, single submitter. Criteria: Invitae Variant Classification Sherloc (09022015). Collection method: clinical testing. Allele origin: germline.
Comment: This sequence change replaces glycine, which is neutral and non-polar, with glutamic acid, which is acidic and polar, at codon 823 of the RET protein (p.Gly823Glu). This variant is not present in population databases (gnomAD no frequency). This variant has not been reported in the literature in individuals affected with RET-related conditions. ClinVar contains an entry for this variant (Variation ID: 1405906). An algorithm developed to predict the effect of missense changes on protein structure and function (PolyPhen-2) suggests that this variant is likely to be disruptive. In summary, the available evidence is currently insufficient to determine the role of this variant in disease. Therefore, it has been classified as a Variant of Uncertain Significance.

All of Us Research Program, National Institutes of Health
Classification: Uncertain significance for Multiple endocrine neoplasia, type 2. Last evaluated: 2024-03-05. Review status: criteria provided, single submitter. Criteria: ACMG Guidelines, 2015. Collection method: clinical testing. Allele origin: germline. Inheritance: Autosomal dominant inheritance. Observed: 1 variant allele, 1 heterozygote.
Comment: This study involves interpretation of variants in research participants for the purpose of population health screening. Participant phenotype was not available at the time of variant classification. Additional details can be found in publication PMID: 35346344, PMCID: PMC8962531